The following is an entry in ClinVar:

NM_006206.6(PDGFRA):c.2956A>C (p.Asn986His)

Gene: PDGFRA (platelet derived growth factor receptor alpha; plus strand). Cytogenetic location: 4q12.
Variant type: single nucleotide variant.
Coding change: c.2956A>C on transcript NM_006206.6 (MANE Select); coding-DNA position 2956, A replaced by C.
Protein change: p.Asn986His; replaces asparagine 986 with histidine.
Molecular consequence: missense variant.
Genome position (GRCh38, 1-based): chr4:54,290,388, A>C. VCF-style: chr4-54290388-A-C. GRCh37 (hg19) VCF-style: chr4-55156555-A-C.
Other names: c.3031A>C, p.Asn1011His (NM_001347828.2); c.2956A>C, p.Asn986His (NM_001347829.2); c.2995A>C, p.Asn999His (NM_001347830.2); short protein forms N1011H, N986H, N999H.
Identifiers: ClinVar variation 3416447 (VCV003416447.1).
Genomic context (GRCh38, chr4:54,290,388, plus strand): 5'-CACCTGGACTTCCTGAAGAGTGACCATCCTGCTGTGGCACGCATGCGTGTGGACTCAGAC[A>C]ATGCATACATTGGTGTCACCTACAAAAACGAGGAAGACAAGCTGAAGGACTGGGAGGGTG-3'
Protein context (NP_006197.1, residues 976-996): AVARMRVDSD[Asn986His]AYIGVTYKNE

ClinVar aggregate classification (germline): Uncertain significance (1 of 4 stars; one submission).

Conditions:
Hereditary cancer-predisposing syndrome. Also called: Neoplastic Syndromes, Hereditary; Tumor predisposition; Hereditary Cancer Syndrome; Hereditary neoplastic syndrome. Identifiers: Orphanet 140162, MedGen C0027672, MeSH D009386, MONDO:0015356.

Submission:

Ambry Genetics
Classification: Uncertain significance for Hereditary cancer-predisposing syndrome. Last evaluated: 2024-11-26. Review status: criteria provided, single submitter. Criteria: Ambry Variant Classification Scheme 2023. Collection method: clinical testing. Allele origin: germline.
Comment: The p.N986H variant (also known as c.2956A>C), located in coding exon 21 of the PDGFRA gene, results from an A to C substitution at nucleotide position 2956. The asparagine at codon 986 is replaced by histidine, an amino acid with similar properties. This amino acid position is conserved. In addition, this alteration is predicted to be tolerated by in silico analysis. Based on the available evidence, the clinical significance of this variant remains unclear.